The following is an entry in ClinVar:

NM_003998.4(NFKB1):c.2581G>A (p.Asp861Asn)

Gene: NFKB1 (nuclear factor kappa B subunit 1; plus strand). Cytogenetic location: 4q24.
Variant type: single nucleotide variant.
Coding change: c.2581G>A on transcript NM_003998.4 (MANE Select); coding-DNA position 2581, G replaced by A.
Protein change: p.Asp861Asn; replaces aspartic acid 861 with asparagine.
Molecular consequence: missense variant.
Genome position (GRCh38, 1-based): chr4:102,612,595, G>A. VCF-style: chr4-102612595-G-A. GRCh37 (hg19) VCF-style: chr4-103533752-G-A.
Other names: c.2581G>A, p.Asp861Asn (NM_001382626.1, NM_001382625.1); c.2578G>A, p.Asp860Asn (NM_001382627.1, NM_001165412.2, NM_001319226.2); c.2539G>A, p.Asp847Asn (NM_001382628.1); short protein forms D847N, D860N, D861N.
Identifiers: ClinVar variation 3688985 (VCV003688985.2).
Genomic context (GRCh38, chr4:102,612,595, plus strand): 5'-GGTCTGGGGATACTTAATAATGCCTTCCGGCTGAGTCCTGCTCCTTCCAAAACACTTATG[G>A]ACAACTATGAGGTAACACCTTACCTTACAGATTTAGCAATTTTCATTTGACTTTACTCTG-3'
Protein context (NP_003989.2, residues 851-871): LSPAPSKTLM[Asp861Asn]NYEVSGGTVR

ClinVar aggregate classification (germline): Uncertain significance (1 of 4 stars; one submission).

gnomAD v4.1: 5 of 1,613,504 alleles (0.00031%); highest among the groups gnomAD compares: Non-Finnish European, 0.00042%; no homozygotes.

Submission:

Labcorp Genetics (formerly Invitae), Labcorp
Classification: Uncertain significance. Last evaluated: 2024-04-25. Review status: criteria provided, single submitter. Criteria: Invitae Variant Classification Sherloc (09022015). Collection method: clinical testing. Allele origin: germline.
Comment: This sequence change replaces aspartic acid, which is acidic and polar, with asparagine, which is neutral and polar, at codon 861 of the NFKB1 protein (p.Asp861Asn). This variant is not present in population databases (gnomAD no frequency). This variant has not been reported in the literature in individuals affected with NFKB1-related conditions. Advanced modeling of protein sequence and biophysical properties (such as structural, functional, and spatial information, amino acid conservation, physicochemical variation, residue mobility, and thermodynamic stability) performed at Invitae indicates that this missense variant is not expected to disrupt NFKB1 protein function with a negative predictive value of 80%. In summary, the available evidence is currently insufficient to determine the role of this variant in disease. Therefore, it has been classified as a Variant of Uncertain Significance.